The following is an entry in ClinVar:

ClinVar aggregate classification (germline): Uncertain significance. Review status: criteria provided, multiple submitters, no conflicts (2 of 4 stars). 3 submissions from 3 submitters: Uncertain significance (3). Last evaluated 2026-04-14.

Conditions:
Familial intrahepatic cholestasis. Identifiers: Orphanet 284385, MedGen CN296401, MONDO:0017290.
Progressive familial intrahepatic cholestasis type 2. Identifiers: Orphanet 79304, MedGen C3489789, MONDO:0011156, OMIM 601847.

gnomAD v4.1: 2 of 1,611,764 alleles (0.00012%); highest among the groups gnomAD compares: Non-Finnish European, 0.00017%; no homozygotes.

Submissions (3):

Genomenon, Inc
Classification: Uncertain significance for Familial intrahepatic cholestasis. Last evaluated: 2026-04-14. Review status: criteria provided, single submitter. Criteria: Genomenon Sequence Variant Interpretation Standards - Updated. Collection method: curation. Allele origin: germline. Affected: yes.
Comment: ABCB11 p.Pro474Leu (c.1421C>T) is a missense variant that changes the amino acid at residue 474 from Proline to Leucine. This variant has been observed in at least one proband with an ABCB11-related disorder (PMID:32793533). It is absent or not present at a significant frequency in gnomAD. In silico models predict that this variant is possibly or probably damaging. In conclusion, we classify ABCB11 p.Pro474Leu (c.1421C>T) as a variant of uncertain significance.

Broad Center for Mendelian Genomics, Broad Institute of MIT and Harvard
Classification: Uncertain significance for Progressive familial intrahepatic cholestasis type 2. Last evaluated: 2025-01-27. Review status: criteria provided, single submitter. Criteria: ACMG Guidelines, 2015. Collection method: curation. Allele origin: germline. Inheritance: Autosomal recessive inheritance.
Comment: The p.Pro474Leu variant in ABCB11 has been reported, in the homozygous state, in one individual with BSEP deficiency (PMID: 32793533), and has been identified in 0.0002% (2/1178394) of European (non-Finnish) chromosomes by the Genome Aggregation Database (gnomAD; dbSNP rs1431047015). Although this variant has been seen in the general population in a heterozygous state, its frequency is low enough to be consistent with a recessive carrier frequency. Computational prediction tools and conservation analyses suggest that this variant may impact the protein, though this information is not predictive enough to determine pathogenicity. In summary, while there is some suspicion for a pathogenic role, the clinical significance of this variant is uncertain. ACMG/AMP Criteria applied: PP3_moderate, PM2_supporting, PM3_supporting (Richards 2015).

Women's Health and Genetics/Laboratory Corporation of America, LabCorp
Classification: Uncertain significance. Last evaluated: 2025-01-14. Review status: criteria provided, single submitter. Criteria: LabCorp Variant Classification Summary - May 2015. Collection method: clinical testing. Allele origin: germline.
Comment: Variant summary: ABCB11 c.1421C>T (p.Pro474Leu) results in a non-conservative amino acid change in the encoded protein sequence. Four of four in-silico tools predict a damaging effect of the variant on protein function. The variant allele was found at a frequency of 4e-06 in 248762 control chromosomes. c.1421C>T has been reported in the literature at a homozygous state in one individual affected with chronic Intrahepatic Cholestasis (Lipinski_2020). These data indicate that the variant may be associated with disease. To our knowledge, no experimental evidence demonstrating an impact on protein function has been reported. The following publication has been ascertained in the context of this evaluation (PMID: 32793533). No submitters have cited clinical-significance assessments for this variant to ClinVar. Based on the evidence outlined above, the variant was classified as VUS-possibly pathogenic.

Literature cited by the submitters: PubMed 32793533 (cited by Genomenon, Inc and Women's Health and Genetics/Laboratory Corporation of America, LabCorp).

NM_003742.4(ABCB11):c.1421C>T (p.Pro474Leu)

Gene: ABCB11 (ATP binding cassette subfamily B member 11; minus strand). Cytogenetic location: 2q31.1.
Variant type: single nucleotide variant.
Coding change: c.1421C>T on transcript NM_003742.4 (MANE Select); coding-DNA position 1421, C replaced by T.
Protein change: p.Pro474Leu; replaces proline 474 with leucine.
Molecular consequence: missense variant.
Genome position (GRCh38, 1-based): chr2:168,973,728, G>A on the plus strand (C>T on the coding strand, the complement: ABCB11 is on the minus strand). VCF-style: chr2-168973728-G-A. GRCh37 (hg19) VCF-style: chr2-169830238-G-A.
Other names: short protein forms P474L.
Identifiers: ClinVar variation 3769118 (VCV003769118.4).
Genomic context (GRCh38, chr2:168,973,728, plus strand): 5'-GCACTTTACTGTCCCCATGTATTGAGGAGTTTCTGGAAGACACCCACCATTCCTTCACAG[G>A]GGTCATAGAATCGCTGAATGAGTTGCAGTGCTGTACTTTTTCCAGCTCCACTGGGTCCTA-3'
Protein context (NP_003733.2, residues 464-484): ALQLIQRFYD[Pro474Leu]CEGMVTVDGH